The following is an entry in ClinVar:

NM_004706.4(ARHGEF1):c.350A>G (p.Asn117Ser)

Gene: ARHGEF1 (Rho guanine nucleotide exchange factor 1; plus strand). Cytogenetic location: 19q13.2.
Variant type: single nucleotide variant.
Coding change: c.350A>G on transcript NM_004706.4 (MANE Select); coding-DNA position 350, A replaced by G.
Protein change: p.Asn117Ser; replaces asparagine 117 with serine.
Molecular consequence: missense variant.
Genome position (GRCh38, 1-based): chr19:41,892,356, A>G. VCF-style: chr19-41892356-A-G. GRCh37 (hg19) VCF-style: chr19-42396427-A-G.
Other names: c.251A>G, p.Asn84Ser (NM_198977.2); c.395A>G, p.Asn132Ser (NM_199002.2); short protein forms N132S, N117S, N84S.
Identifiers: ClinVar variation 1374014 (VCV001374014.6), dbSNP rs1251612049, ClinGen allele CA406047450.

ClinVar aggregate classification (germline): Uncertain significance (1 of 4 stars; one submission).

Allele frequency attached by ClinVar (database versions not stated): TOPMed below 0.00001.
gnomAD v4.1: 6 of 1,613,858 alleles (0.00037%); highest among the groups gnomAD compares: Non-Finnish European, 0.00051%; no homozygotes.

Submission:

Labcorp Genetics (formerly Invitae), Labcorp
Classification: Uncertain significance. Last evaluated: 2023-12-18. Review status: criteria provided, single submitter. Criteria: Invitae Variant Classification Sherloc (09022015). Collection method: clinical testing. Allele origin: germline.
Comment: This sequence change replaces asparagine, which is neutral and polar, with serine, which is neutral and polar, at codon 132 of the ARHGEF1 protein (p.Asn132Ser). This variant is present in population databases (no rsID available, gnomAD 0.006%). This variant has not been reported in the literature in individuals affected with ARHGEF1-related conditions. ClinVar contains an entry for this variant (Variation ID: 1374014). Algorithms developed to predict the effect of missense changes on protein structure and function output the following: SIFT: "Not Available"; PolyPhen-2: "Benign"; Align-GVGD: "Not Available". The serine amino acid residue is found in multiple mammalian species, which suggests that this missense change does not adversely affect protein function. In summary, the available evidence is currently insufficient to determine the role of this variant in disease. Therefore, it has been classified as a Variant of Uncertain Significance.